The following is an entry in ClinVar:

NM_002444.3(MSN):c.364G>A (p.Ala122Thr)

Gene: MSN (moesin; plus strand). Cytogenetic location: Xq12.
Variant type: single nucleotide variant.
Coding change: c.364G>A on transcript NM_002444.3 (MANE Select); coding-DNA position 364, G replaced by A.
Protein change: p.Ala122Thr; replaces alanine 122 with threonine.
Molecular consequence: missense variant.
Genome position (GRCh38, 1-based): chrX:65,729,609, G>A. VCF-style: chrX-65729609-G-A. GRCh37 (hg19) VCF-style: chrX-64949471-G-A.
Other names: c.367G>A, p.Ala123Thr (NM_001440778.1); short protein forms A122T, A123T.
Identifiers: ClinVar variation 4750062 (VCV004750062.2).
Genomic context (GRCh38, chrX:65,729,609, plus strand): 5'-TTCTTTCTGCAAGTGAAAGAGGGCATTCTCAATGATGATATTTACTGCCCGCCTGAGACC[G>A]CTGTGCTGCTGGCCTCGTATGCTGTCCAGTCTAAGTATGGCGACTTCAATAAGGAAGTGC-3'
Protein context (NP_002435.1, residues 112-132): NDDIYCPPET[Ala122Thr]VLLASYAVQS

ClinVar aggregate classification (germline): Uncertain significance. Review status: criteria provided, multiple submitters, no conflicts (2 of 4 stars). 2 submissions from 2 submitters: Uncertain significance (2). Last evaluated 2025-11-28.

gnomAD v4.1: 8 of 1,211,734 alleles (0.00066%); highest among the groups gnomAD compares: South Asian, 0.0035%; no homozygotes.

Submissions (2):

Labcorp Genetics (formerly Invitae), Labcorp
Classification: Uncertain significance. Last evaluated: 2025-11-28. Review status: criteria provided, single submitter. Criteria: Invitae Variant Classification Sherloc (09022015). Collection method: clinical testing. Allele origin: germline.
Comment: This sequence change replaces alanine, which is neutral and non-polar, with threonine, which is neutral and polar, at codon 122 of the MSN protein (p.Ala122Thr). This variant is present in population databases (rs775857259, gnomAD 0.01%), including at least one homozygous and/or hemizygous individual. This variant has not been reported in the literature in individuals affected with MSN-related conditions. An algorithm developed to predict the effect of missense changes on protein structure and function (PolyPhen-2) suggests that this variant is likely to be disruptive. In summary, the available evidence is currently insufficient to determine the role of this variant in disease. Therefore, it has been classified as a Variant of Uncertain Significance.

Blueprint Genetics
Classification: Uncertain significance. Last evaluated: 2024-03-18. Review status: criteria provided, single submitter. Criteria: ACMG Guidelines, 2015. Collection method: clinical testing. Allele origin: germline.